The following is an entry in ClinVar:

ClinVar aggregate classification (germline): Uncertain significance (1 of 4 stars; one submission).

Conditions:
Familial encephalopathy with neuroserpin inclusion bodies. Also called: ENCEPHALOPATHY, FAMILIAL, WITH COLLINS BODIES. Identifiers: Orphanet 85110, MedGen C1858680, MONDO:0011412, OMIM 604218.

Submission:

Labcorp Genetics (formerly Invitae), Labcorp
Classification: Uncertain significance for Familial encephalopathy with neuroserpin inclusion bodies. Last evaluated: 2024-05-31. Review status: criteria provided, single submitter. Criteria: Invitae Variant Classification Sherloc (09022015). Collection method: clinical testing. Allele origin: germline.
Comment: This sequence change replaces serine, which is neutral and polar, with asparagine, which is neutral and polar, at codon 80 of the SERPINI1 protein (p.Ser80Asn). This variant is present in population databases (no rsID available, gnomAD 0.0009%). This variant has not been reported in the literature in individuals affected with SERPINI1-related conditions. Advanced modeling of protein sequence and biophysical properties (such as structural, functional, and spatial information, amino acid conservation, physicochemical variation, residue mobility, and thermodynamic stability) performed at Invitae indicates that this missense variant is not expected to disrupt SERPINI1 protein function with a negative predictive value of 80%. In summary, the available evidence is currently insufficient to determine the role of this variant in disease. Therefore, it has been classified as a Variant of Uncertain Significance.

NM_001122752.2(SERPINI1):c.239G>A (p.Ser80Asn)

Gene: SERPINI1 (serpin family I member 1; plus strand). Cytogenetic location: 3q26.1.
Variant type: single nucleotide variant.
Coding change: c.239G>A on transcript NM_001122752.2 (MANE Select); coding-DNA position 239, G replaced by A.
Protein change: p.Ser80Asn; replaces serine 80 with asparagine.
Molecular consequence: missense variant.
Genome position (GRCh38, 1-based): chr3:167,789,367, G>A. VCF-style: chr3-167789367-G-A. GRCh37 (hg19) VCF-style: chr3-167507155-G-A.
Other names: c.239G>A, p.Ser80Asn (NM_005025.5); short protein forms S80N.
Identifiers: ClinVar variation 3667538 (VCV003667538.2).